The following is an entry in ClinVar:

NM_004082.5(DCTN1):c.1702G>A (p.Ala568Thr)

Gene: DCTN1 (dynactin subunit 1; minus strand). Cytogenetic location: 2p13.1.
Variant type: single nucleotide variant.
Coding change: c.1702G>A on transcript NM_004082.5 (MANE Select); coding-DNA position 1702, G replaced by A.
Protein change: p.Ala568Thr; replaces alanine 568 with threonine.
Molecular consequence: missense variant. On other transcripts: non-coding transcript variant (1).
Genome position (GRCh38, 1-based): chr2:74,368,880, C>T on the plus strand (G>A on the coding strand, the complement: DCTN1 is on the minus strand). VCF-style: chr2-74368880-C-T. GRCh37 (hg19) VCF-style: chr2-74596007-C-T.
Other names: c.1300G>A, p.Ala434Thr (NM_023019.4, NM_001135041.3); c.1642G>A, p.Ala548Thr (NM_001135040.3); c.1591G>A, p.Ala531Thr (NM_001190836.2); c.1681G>A, p.Ala561Thr (NM_001190837.2); c.1651G>A, p.Ala551Thr (NM_001378991.1); c.1633G>A, p.Ala545Thr (NM_001378992.1); short protein forms A434T, A545T, A551T, A531T, A548T, A561T, A568T.
Identifiers: ClinVar variation 2924425 (VCV002924425.4), dbSNP rs201348349, ClinGen allele CA347356331.

ClinVar aggregate classification (germline): Uncertain significance. Review status: criteria provided, multiple submitters, no conflicts (2 of 4 stars). 2 submissions from 2 submitters: Uncertain significance (2). Last evaluated 2025-10-18.

Conditions:
Amyotrophic lateral sclerosis type 1 (ALS1). Also called: AMYOTROPHIC LATERAL SCLEROSIS 1, FAMILIAL. Identifiers: Orphanet 803, MedGen C1862939, MONDO:0007103, OMIM 105400.
Neuronopathy, distal hereditary motor, type 7B. Also called: Distal Hereditary Motor Neuronopathy Type 7B (dHMN7B); HMN VIIB; LOWER MOTOR NEURON DISEASE, DYNACTIN TYPE; NEURONOPATHY, DISTAL HEREDITARY MOTOR, AUTOSOMAL DOMINANT 14; NEURONOPATHY, DISTAL HEREDITARY MOTOR, HARDING TYPE VIIB; NEUROPATHY, DISTAL HEREDITARY MOTOR, HARDING TYPE VIIB. Identifiers: Orphanet 139589, MedGen C1843315, MONDO:0011879, OMIM 607641.
Perry syndrome. Also called: PARKINSONISM WITH ALVEOLAR HYPOVENTILATION AND MENTAL DEPRESSION. Identifiers: Orphanet 178509, MedGen C1868594, MONDO:0008201, OMIM 168605.
Inborn genetic diseases. Identifiers: MedGen C0950123, MeSH D030342.

Allele frequency attached by ClinVar (database versions not stated): gnomAD exomes below 0.00001; TOPMed 0.00002.
gnomAD v4.1: 5 of 1,614,140 alleles (0.00031%); highest among the groups gnomAD compares: African/African-American, 0.004%; no homozygotes.

Submissions (2):

Labcorp Genetics (formerly Invitae), Labcorp
Classification: Uncertain significance for Amyotrophic lateral sclerosis type 1; Neuronopathy, distal hereditary motor, type 7B; Perry syndrome. Last evaluated: 2025-10-18. Review status: criteria provided, single submitter. Criteria: Invitae Variant Classification Sherloc (09022015). Collection method: clinical testing. Allele origin: germline.
Comment: This sequence change replaces alanine, which is neutral and non-polar, with threonine, which is neutral and polar, at codon 568 of the DCTN1 protein (p.Ala568Thr). This variant is present in population databases (no rsID available, gnomAD 0.01%). This variant has not been reported in the literature in individuals affected with DCTN1-related conditions. ClinVar contains an entry for this variant (Variation ID: 2924425). Invitae Evidence Modeling of protein sequence and biophysical properties (such as structural, functional, and spatial information, amino acid conservation, physicochemical variation, residue mobility, and thermodynamic stability) indicates that this missense variant is not expected to disrupt DCTN1 protein function with a negative predictive value of 95%. In summary, the available evidence is currently insufficient to determine the role of this variant in disease. Therefore, it has been classified as a Variant of Uncertain Significance.

Ambry Genetics
Classification: Uncertain significance for Inborn genetic diseases. Last evaluated: 2024-09-10. Review status: criteria provided, single submitter. Criteria: Ambry Variant Classification Scheme 2023. Collection method: clinical testing. Allele origin: germline.